The following is an entry in ClinVar:

NM_000414.4(HSD17B4):c.91G>A (p.Glu31Lys)

Gene: HSD17B4 (hydroxysteroid 17-beta dehydrogenase 4; plus strand). Cytogenetic location: 5q23.1.
Variant type: single nucleotide variant.
Coding change: c.91G>A on transcript NM_000414.4 (MANE Select); coding-DNA position 91, G replaced by A.
Protein change: p.Glu31Lys; replaces glutamic acid 31 with lysine.
Molecular consequence: missense variant. On other transcripts: 5 prime UTR variant (7), non-coding transcript variant (2), intron variant (1).
Genome position (GRCh38, 1-based): chr5:119,456,347, G>A. VCF-style: chr5-119456347-G-A. GRCh37 (hg19) VCF-style: chr5-118792042-G-A.
Other names: c.-321G>A (NM_001374501.1, NM_001292028.2); c.-326G>A (NM_001374502.1); c.-391G>A (NM_001374503.1); c.58+3714G>A (NM_001199292.2); c.101G>A, p.Arg34Lys (NM_001199291.3); c.-47G>A (NM_001292027.2); c.91G>A, p.Glu31Lys (NM_001374497.1, NM_001374498.1); c.-255G>A (NM_001374499.1); and 1 more; short protein forms E31K, R34K.
Identifiers: ClinVar variation 3753861 (VCV003753861.2).

ClinVar aggregate classification (germline): Uncertain significance (1 of 4 stars; one submission).

Conditions:
Perrault syndrome. Also called: Gonadal dysgenesis with auditory dysfunction, autosomal recessive inheritance. Identifiers: Orphanet 2855, MedGen C0685838, MONDO:0017312.
Bifunctional peroxisomal enzyme deficiency (DBIF). Also called: PBFE DEFICIENCY; D-bifunctional protein deficiency; DBP DEFICIENCY. Identifiers: Orphanet 300, MedGen C0342870, MONDO:0009855, OMIM 261515. Disease mechanism: loss of function.

gnomAD v4.1: 1 of 1,610,136 alleles (0.000062%); highest among the groups gnomAD compares: Non-Finnish European, 0.000085%; no homozygotes.

Submission:

Labcorp Genetics (formerly Invitae), Labcorp
Classification: Uncertain significance for Perrault syndrome; Bifunctional peroxisomal enzyme deficiency. Last evaluated: 2025-03-05. Review status: criteria provided, single submitter. Criteria: Invitae Variant Classification Sherloc (09022015). Collection method: clinical testing. Allele origin: germline.
Comment: This sequence change replaces glutamic acid, which is acidic and polar, with lysine, which is basic and polar, at codon 31 of the HSD17B4 protein (p.Glu31Lys). This variant is not present in population databases (gnomAD no frequency). This variant has not been reported in the literature in individuals affected with HSD17B4-related conditions. Invitae Evidence Modeling of protein sequence and biophysical properties (such as structural, functional, and spatial information, amino acid conservation, physicochemical variation, residue mobility, and thermodynamic stability) has been performed for this missense variant. However, the output from this modeling did not meet the statistical confidence thresholds required to predict the impact of this variant on HSD17B4 protein function. In summary, the available evidence is currently insufficient to determine the role of this variant in disease. Therefore, it has been classified as a Variant of Uncertain Significance.